The following is an entry in ClinVar:

ClinVar aggregate classification (germline): Uncertain significance. Review status: criteria provided, multiple submitters, no conflicts (2 of 4 stars). 3 submissions from 3 submitters: Uncertain significance (3). Last evaluated 2025-10-01.

Conditions:
Ehlers-Danlos syndrome, classic type, 1 (EDSCL1). Also called: EHLERS-DANLOS SYNDROME, GRAVIS TYPE; EHLERS-DANLOS SYNDROME, SEVERE CLASSIC TYPE; Ehlers-Danlos syndrome, type 1; Ehlers-Danlos Syndrome, Classic Type, COL5A1-Related; EDS I. Identifiers: MedGen C0268335, MONDO:0019567, OMIM 130000.
Ehlers-Danlos syndrome, classic type (cEDS). Identifiers: Orphanet 287, MedGen C4225429, MONDO:0007522.

gnomAD v4.1: 1 of 1,613,884 alleles (0.000062%); highest among the groups gnomAD compares: Non-Finnish European, 0.000085%; no homozygotes.

Submissions (3):

Victorian Clinical Genetics Services, Murdoch Childrens Research Institute
Classification: Uncertain significance for Ehlers-Danlos syndrome, classic type, 1. Last evaluated: 2025-10-01. Review status: criteria provided, single submitter. Criteria: ACMG Guidelines, 2015. Collection method: clinical testing. Allele origin: germline. Affected: no.
Comment: This variant is classified as VUS-3C. Evidence in support of pathogenic classification: Variant is present in gnomAD <0.001 for a dominant condition (v4: 1 heterozygote(s), 0 homozygote(s)); Missense variant predicted to be damaging by in silico tool(s) or highly conserved with a major amino acid change. Additional information: Variant is predicted to result in a missense amino acid change from Lys to Gln; This variant is heterozygous; This gene is associated with autosomal dominant disease; Alternative amino acid change(s) at the same position are present in gnomAD (Highest allele count: v4: 4 heterozygote(s), 0 homozygote(s)); This variant has no previous evidence of pathogenicity; No published evidence of segregation with disease has been identified for this variant; No published functional evidence has been identified for this variant; No comparable missense variants have previous evidence for pathogenicity; Variant is located in the annotated functional Gly-X-Y motif in the collagen triple helical domain (DECIPHER); Loss of function is a known mechanism of disease in this gene and is associated with classic type Ehlers-Danlos syndrome 1 (MIM#130000) whereas the mechanism of disease for multifocal fibromuscular dysplasia (MIM#619329) is unknown. Dominant negative is a suggested mechanism of disease (PMID: 32720758); Inheritance information for this variant is not currently available in this individual.

Molecular Genetics, Royal Melbourne Hospital
Classification: Uncertain significance for Ehlers-Danlos syndrome, classic type. Last evaluated: 2025-02-06. Review status: criteria provided, single submitter. Criteria: ACMG Guidelines, 2015. Collection method: clinical testing. Allele origin: germline. Inheritance: Autosomal dominant inheritance.
Comment: This sequence change in COL5A1 is predicted to replace lysine with glutamine at codon 627, p.(Lys627Gln). The lysine residue is highly conserved (100 vertebrates, Multiz Alignments), and is a hydroxylysine located in the collagen domain (PMID: 2496661). There is a small physicochemical difference between lysine and glutamine. COL5A1, in which the variant was identified, is a gene significantly constrained for missense variation and where pathogenic missense variants are a common mechanism of disease (gnomAD v4.1, ClinVar). The highest population minor allele frequency in the population database gnomAD v4.1 is 0.00008% (1/1,179,962 alleles) in the European (non-Finnish) population, consistent with autosomal dominant disease. To our knowledge, this variant is novel and has not been previously reported in the relevant scientific literature or databases. Computational evidence predicts a deleterious effect for the missense substitution (REVEL = 0.787) and predicts no impact on splicing (SpliceAI) for the nucleotide change. Based on the classification scheme RMH Modified ACMG/AMP Guidelines v1.7.1, this variant is classified as a VARIANT OF UNCERTAIN SIGNIFICANCE. Following criteria are met: PM2_Supporting, PP2, PP3_Moderate.

Blueprint Genetics
Classification: Uncertain significance. Last evaluated: 2023-10-11. Review status: criteria provided, single submitter. Criteria: ACMG Guidelines, 2015. Collection method: clinical testing. Allele origin: germline.

Literature cited by the submitters: PubMed 32720758 (cited by Victorian Clinical Genetics Services, Murdoch Childrens Research Institute); PubMed 2496661 (cited by Molecular Genetics, Royal Melbourne Hospital).

NM_000093.5(COL5A1):c.1879A>C (p.Lys627Gln)

Gene: COL5A1 (collagen type V alpha 1 chain; plus strand). Cytogenetic location: 9q34.3.
Variant type: single nucleotide variant.
Coding change: c.1879A>C on transcript NM_000093.5 (MANE Select); coding-DNA position 1879, A replaced by C.
Protein change: p.Lys627Gln; replaces lysine 627 with glutamine.
Molecular consequence: missense variant.
Genome position (GRCh38, 1-based): chr9:134,756,816, A>C. VCF-style: chr9-134756816-A-C. GRCh37 (hg19) VCF-style: chr9-137648662-A-C.
Other names: c.1879A>C, p.Lys627Gln (NM_001278074.1); short protein forms K627Q.
Identifiers: ClinVar variation 3773754 (VCV003773754.4).